The following is an entry in ClinVar:

NM_000284.4(PDHA1):c.1121_1159dup (p.Phe386_Lys387insThrPheGluValArgGlyAlaAsnGlnTrpIleLysPhe)

Gene: PDHA1 (pyruvate dehydrogenase E1 subunit alpha 1; plus strand). Cytogenetic location: Xp22.12.
Variant type: Duplication.
Coding change: c.1121_1159dup on transcript NM_000284.4 (MANE Select); coding-DNA positions 1121 to 1159, 39 bases duplicated.
Protein change: p.Phe386_Lys387insThrPheGluValArgGlyAlaAsnGlnTrpIleLysPhe.
Molecular consequence: inframe insertion.
Genome position (GRCh38, 1-based): chrX:19,359,601-19,359,639, 39 bases duplicated. GRCh37 (hg19): chrX:19,377,719-19,377,757.
Other names: c.1235_1273dup, p.Phe424_Lys425insThrPheGluValArgGlyAlaAsnGlnTrpIleLysPhe (NM_001173454.2); c.1142_1180dup, p.Phe393_Lys394insThrPheGluValArgGlyAlaAsnGlnTrpIleLysPhe (NM_001173455.2); c.1028_1066dup, p.Phe355_Lys356insThrPheGluValArgGlyAlaAsnGlnTrpIleLysPhe (NM_001173456.2).
Identifiers: ClinVar variation 4070461 (VCV004070461.1).

ClinVar aggregate classification (germline): Likely pathogenic (0 of 4 stars; one submission).

Conditions:
Pyruvate dehydrogenase E1-alpha deficiency (PDHAD). Also called: ATAXIA, INTERMITTENT, WITH PYRUVATE DEHYDROGENASE DEFICIENCY; ATAXIA WITH LACTIC ACIDOSIS I; ATAXIA, INTERMITTENT, WITH ABNORMAL PYRUVATE METABOLISM; Ataxia, intermittent, with pyruvate dehydrogenase, or decarboxylase, deficiency. Identifiers: Orphanet 79243, MedGen C1839413, MONDO:0010717, OMIM 312170.

Submission:

PDHA1 Study Group, University Children’s Hospital, Paracelsus Medical University
Classification: Likely pathogenic for Pyruvate dehydrogenase E1-alpha deficiency. Last evaluated: 2024-10-15. Review status: no assertion criteria provided. Collection method: research. Allele origin: germline. Affected: yes. Observed: 1 variant allele.
Comment: The NM_000284.3:c.1121_1159dup (p.Phe386_Lys387ins13) change is a deletion-insertion (delins) variant in PDHA1 gene. The variant has been reported in 1 published case (PMIDs: 23021068, 8352855). Last literature search: July 12, 2024. This variant is absent or extremely rare in population-based cohorts in the Genome Aggregation Database (gnomAD). Individuals harboring this variant presented with clinical features compatible with PDHA1-related PDHc deficiency. In summary, this variant meets criteria to be classified as pathogenic (P) for PDHA1-related PDHc deficiency based on the ACMG/AMP criteria applied: PS2, PM1, PM2, PM4, PM7 (last assessment October 15, 2024).

Literature cited by the submitters: PubMed 23021068; PubMed 8352855; DOI 10.1093/brain/awaf430.